The following is an entry in ClinVar:

NM_015378.4(VPS13D):c.9299C>T (p.Ala3100Val)

Gene: VPS13D (vacuolar protein sorting 13 homolog D; plus strand). Cytogenetic location: 1p36.22.
Variant type: single nucleotide variant.
Coding change: c.9299C>T on transcript NM_015378.4 (MANE Select); coding-DNA position 9299, C replaced by T.
Protein change: p.Ala3100Val; replaces alanine 3100 with valine.
Molecular consequence: missense variant.
Genome position (GRCh38, 1-based): chr1:12,349,242, C>T. VCF-style: chr1-12349242-C-T. GRCh37 (hg19) VCF-style: chr1-12409299-C-T.
Other names: c.9224C>T, p.Ala3075Val (NM_018156.4); short protein forms A3075V, A3100V.
Identifiers: ClinVar variation 2428364 (VCV002428364.6), dbSNP rs755933383, ClinGen allele CA603398.
Genomic context (GRCh38, chr1:12,349,242, plus strand): 5'-CTATCATGCCAGGGGATTCGTTTGCTGTGCCTTTACACCTCACTTCTTGGCGGCTACAGG[C>T]CCGGCCCAAAGGATTGGGTGTATTTTTCTGTAAGGCTCCCATTCATTGGACCAATGTAGT-3'
Protein context (NP_056193.2, residues 3090-3110): PLHLTSWRLQ[Ala3100Val]RPKGLGVFFC

ClinVar aggregate classification (germline): Uncertain significance (1 of 4 stars; one submission).

Allele frequency attached by ClinVar (database versions not stated): ExAC 0.00001.
gnomAD v4.1: 3 of 1,614,170 alleles (0.00019%); highest among the groups gnomAD compares: South Asian, 0.0033%; no homozygotes.

Submission:

Labcorp Genetics (formerly Invitae), Labcorp
Classification: Uncertain significance. Last evaluated: 2022-03-11. Review status: criteria provided, single submitter. Criteria: Invitae Variant Classification Sherloc (09022015). Collection method: clinical testing. Allele origin: germline.
Comment: Algorithms developed to predict the effect of missense changes on protein structure and function are either unavailable or do not agree on the potential impact of this missense change (SIFT: "Tolerated"; PolyPhen-2: "Possibly Damaging"; Align-GVGD: "Class C0"). Algorithms developed to predict the effect of sequence changes on RNA splicing suggest that this variant may create or strengthen a splice site. In summary, the available evidence is currently insufficient to determine the role of this variant in disease. Therefore, it has been classified as a Variant of Uncertain Significance. This variant has not been reported in the literature in individuals affected with VPS13D-related conditions. This variant is present in population databases (rs755933383, gnomAD 0.003%). This sequence change replaces alanine, which is neutral and non-polar, with valine, which is neutral and non-polar, at codon 3100 of the VPS13D protein (p.Ala3100Val).